The following is an entry in ClinVar:

ClinVar aggregate classification (germline): Uncertain significance. Review status: criteria provided, multiple submitters, no conflicts (2 of 4 stars). 2 submissions from 2 submitters: Uncertain significance (2). Last evaluated 2026-01-18.

Conditions:
Hereditary cancer-predisposing syndrome. Also called: Tumor predisposition; Neoplastic Syndromes, Hereditary; Hereditary Cancer Syndrome; Hereditary neoplastic syndrome. Identifiers: Orphanet 140162, MedGen C0027672, MeSH D009386, MONDO:0015356.
Tuberous sclerosis 2 (TSC2). Identifiers: Orphanet 805, MedGen C1860707, MONDO:0013199, OMIM 613254.

gnomAD v4.1: 1 of 1,614,212 alleles (0.000062%); no homozygotes.

Submissions (2):

Ambry Genetics
Classification: Uncertain significance for Hereditary cancer-predisposing syndrome. Last evaluated: 2026-01-18. Review status: criteria provided, single submitter. Criteria: Ambry Variant Classification Scheme 2023. Collection method: clinical testing. Allele origin: germline.
Comment: The p.L172F variant (also known as c.516G>C), located in coding exon 5 of the TSC2 gene, results from a G to C substitution at nucleotide position 516. The leucine at codon 172 is replaced by phenylalanine, an amino acid with highly similar properties. This amino acid position is conserved. In addition, the in silico prediction for this alteration is inconclusive. Based on the available evidence, the clinical significance of this variant remains unclear.

Labcorp Genetics (formerly Invitae), Labcorp
Classification: Uncertain significance for Tuberous sclerosis 2. Last evaluated: 2025-07-07. Review status: criteria provided, single submitter. Criteria: Invitae Variant Classification Sherloc (09022015). Collection method: clinical testing. Allele origin: germline.
Comment: This sequence change replaces leucine, which is neutral and non-polar, with phenylalanine, which is neutral and non-polar, at codon 172 of the TSC2 protein (p.Leu172Phe). This variant is not present in population databases (gnomAD no frequency). This variant has not been reported in the literature in individuals affected with TSC2-related conditions. ClinVar contains an entry for this variant (Variation ID: 2797016). Invitae Evidence Modeling of protein sequence and biophysical properties (such as structural, functional, and spatial information, amino acid conservation, physicochemical variation, residue mobility, and thermodynamic stability) indicates that this missense variant is not expected to disrupt TSC2 protein function with a negative predictive value of 95%. In summary, the available evidence is currently insufficient to determine the role of this variant in disease. Therefore, it has been classified as a Variant of Uncertain Significance.

NM_000548.5(TSC2):c.516G>C (p.Leu172Phe)

Gene: TSC2 (TSC complex subunit 2; plus strand). Cytogenetic location: 16p13.3.
Variant type: single nucleotide variant.
Coding change: c.516G>C on transcript NM_000548.5 (MANE Select); coding-DNA position 516, G replaced by C.
Protein change: p.Leu172Phe; replaces leucine 172 with phenylalanine.
Molecular consequence: missense variant. On other transcripts: 5 prime UTR variant (13), non-coding transcript variant (5), intron variant (6).
Genome position (GRCh38, 1-based): chr16:2,055,436, G>C. VCF-style: chr16-2055436-G-C. GRCh37 (hg19) VCF-style: chr16-2105437-G-C.
Other names: c.516G>C, p.Leu172Phe (NM_001077183.3, NM_001114382.3, NM_001363528.2 and 8 more transcripts); c.405G>C, p.Leu135Phe (NM_001318827.2, NM_001406670.1, NM_001406678.1); c.369G>C, p.Leu123Phe (NM_001318829.2, NM_001406675.1, NM_001406676.1 and 1 more transcripts); c.549G>C, p.Leu183Phe (NM_001318832.2); c.606G>C, p.Leu202Phe (NM_001406667.1, NM_001406668.1); c.459G>C, p.Leu153Phe (NM_001406677.1); c.-301G>C (NM_001406680.1, NM_001406683.1, NM_001406687.1); c.54G>C, p.Leu18Phe (NM_001406681.1); and 6 more; short protein forms L123F, L153F, L183F, L172F, L135F, L18F, L202F.
Identifiers: ClinVar variation 2797016 (VCV002797016.4), dbSNP rs772641112, ClinGen allele CA394309271.